The following is an entry in ClinVar:

NM_177438.3(DICER1):c.929T>C (p.Leu310Ser)

Gene: DICER1 (dicer 1, ribonuclease III; minus strand). Cytogenetic location: 14q32.13.
Variant type: single nucleotide variant.
Coding change: c.929T>C on transcript NM_177438.3 (MANE Select); coding-DNA position 929, T replaced by C.
Protein change: p.Leu310Ser; replaces leucine 310 with serine.
Molecular consequence: missense variant. On other transcripts: 5 prime UTR variant (1), non-coding transcript variant (6).
Genome position (GRCh38, 1-based): chr14:95,124,643, A>G on the plus strand (T>C on the coding strand, the complement: DICER1 is on the minus strand). VCF-style: chr14-95124643-A-G. GRCh37 (hg19) VCF-style: chr14-95590980-A-G.
Other names: c.524T>C, p.Leu175Ser (NM_001395689.1, NM_001395690.1, NM_001395696.1 and 3 more transcripts); c.362T>C, p.Leu121Ser (NM_001395691.1); c.929T>C, p.Leu310Ser (NM_001395692.1, NM_001395693.1, NM_001395694.1 and 14 more transcripts); c.-640T>C (NM_001395697.1); c.647T>C, p.Leu216Ser (NM_001395686.1); short protein forms L310S, L121S, L175S, L216S.
Identifiers: ClinVar variation 3272002 (VCV003272002.1).

ClinVar aggregate classification (germline): Uncertain significance (1 of 4 stars; one submission).

Conditions:
Hereditary cancer-predisposing syndrome. Also called: Tumor predisposition; Hereditary Cancer Syndrome; Hereditary neoplastic syndrome; Neoplastic Syndromes, Hereditary. Identifiers: Orphanet 140162, MedGen C0027672, MeSH D009386, MONDO:0015356.

Submission:

Ambry Genetics
Classification: Uncertain significance for Hereditary cancer-predisposing syndrome. Last evaluated: 2024-04-13. Review status: criteria provided, single submitter. Criteria: Ambry Variant Classification Scheme 2023. Collection method: clinical testing. Allele origin: germline.
Comment: The p.L310S variant (also known as c.929T>C), located in coding exon 7 of the DICER1 gene, results from a T to C substitution at nucleotide position 929. The leucine at codon 310 is replaced by serine, an amino acid with dissimilar properties. This amino acid position is conserved. In addition, this alteration is predicted to be deleterious by in silico analysis. Based on the available evidence, the clinical significance of this variant remains unclear.